The following is an entry in ClinVar:

NM_000744.7(CHRNA4):c.1460G>A (p.Arg487Gln)

Gene: CHRNA4 (cholinergic receptor nicotinic alpha 4 subunit; minus strand). Cytogenetic location: 20q13.33.
Variant type: single nucleotide variant.
Coding change: c.1460G>A on transcript NM_000744.7 (MANE Select); coding-DNA position 1460, G replaced by A.
Protein change: p.Arg487Gln; replaces arginine 487 with glutamine.
Molecular consequence: missense variant. On other transcripts: non-coding transcript variant (1).
Genome position (GRCh38, 1-based): chr20:63,349,951, C>T on the plus strand (G>A on the coding strand, the complement: CHRNA4 is on the minus strand). VCF-style: chr20-63349951-C-T. GRCh37 (hg19) VCF-style: chr20-61981303-C-T.
Other names: p.R487Q:CGG>CAG; c.932G>A, p.Arg311Gln (NM_001256573.2); short protein forms R487Q, R311Q.
Identifiers: ClinVar variation 98318 (VCV000098318.51), dbSNP rs121912280, ClinGen allele CA150416.

ClinVar aggregate classification (germline): Conflicting classifications of pathogenicity. Review status: criteria provided, conflicting classifications (1 of 4 stars). 11 submissions from 10 submitters: Uncertain significance (2); Benign (4); Likely benign (2). 3 of the submissions do not count toward it. Last evaluated 2026-01-23.

Conditions:
Inborn genetic diseases. Identifiers: MedGen C0950123, MeSH D030342.
Familial sleep-related hypermotor epilepsy. Also called: Autosomal Dominant Sleep-Related Hypermotor (Hyperkinetic) Epilepsy. Identifiers: Orphanet 98784, MedGen C3696898, MONDO:0000030.
Tobacco use disorder. Identifiers: MedGen C0040336.
Tobacco addiction, susceptibility to. Also called: CIGARETTE HABITUATION, SUSCEPTIBILITY TO. Identifiers: MedGen C1861063, MONDO:0100460, OMIM 188890.
Autosomal dominant nocturnal frontal lobe epilepsy 1. Also called: EPILEPSY, NOCTURNAL FRONTAL LOBE, TYPE 1; CHRNA4-Related Nocturnal Frontal Lobe Epilepsy, Autosomal Dominant. Identifiers: Orphanet 98784, MedGen C1838049, MONDO:0010899, OMIM 600513.

Allele frequency attached by ClinVar (database versions not stated): gnomAD exomes 0.00032 and 0.00065; ESP Exome Variant Server 0.00101; 1000 Genomes Project 0.00120; 1000 Genomes Project 30x 0.00125; ExAC 0.00132; gnomAD 0.00143 and 0.00152; TOPMed 0.00173.
gnomAD v4.1: 711 of 1,576,496 alleles (0.045%); highest among the groups gnomAD compares: Middle Eastern, 0.51%; 3 homozygotes.

Submissions (11):

Labcorp Genetics (formerly Invitae), Labcorp
Classification: Benign. Last evaluated: 2026-01-23. Review status: criteria provided, single submitter. Criteria: Invitae Variant Classification Sherloc (09022015). Collection method: clinical testing. Allele origin: germline.

Blueprint Genetics
Classification: Likely benign. Last evaluated: 2024-10-23. Review status: criteria provided, single submitter. Criteria: ACMG Guidelines, 2015. Collection method: clinical testing. Allele origin: germline.

CeGaT Center for Human Genetics Tuebingen
Classification: Benign. Last evaluated: 2023-10-01. Review status: criteria provided, single submitter. Criteria: CeGaT Center For Human Genetics Tuebingen Variant Classification Criteria Version 2. Collection method: clinical testing. Allele origin: germline. Affected: yes. Observed: 1 variant allele.
Comment: CHRNA4: BS1, BS2

GeneDx
Classification: Benign. Last evaluated: 2020-12-08. Review status: criteria provided, single submitter. Criteria: GeneDx Variant Classification Process June 2021. Collection method: clinical testing. Allele origin: germline. Affected: yes.
Comment: This variant is associated with the following publications: (PMID: 19628475, 21107856, 24385388, 22873564, 29422393)

Ambry Genetics
Classification: Likely benign for Inborn genetic diseases. Last evaluated: 2018-11-26. Review status: criteria provided, single submitter. Criteria: Ambry Variant Classification Scheme 2023. Collection method: clinical testing. Allele origin: germline.

Center for Genomics, Ann and Robert H. Lurie Children's Hospital of Chicago
Classification: Uncertain significance for Autosomal dominant nocturnal frontal lobe epilepsy 1. Last evaluated: 2017-10-26. Review status: criteria provided, single submitter. Criteria: ACMG Guidelines, 2015. Collection method: clinical testing. Allele origin: germline.
Comment: CHRNA4 NM_000744.6 exon 5 p.Arg487Gln (c.1460G>A): This variant has been reported in the literature in 1 individual with Sporadic Amyotrophic Lateral Sclerosis (SALS) (Sabatelli 2009 PMID:19628475). This variant is present in 0.4% (85/1944) of African alleles in the Genome Aggregation Database. This variant Glutamine (Gln) is present in >5 species including mammals and is not well conserved among evolutionarily distant species; this suggests that this variant may not impact the protein. Additional computational prediction tools do not suggest an impact. In summary, data on this variant is insufficient for disease classification. Therefore, the clinical significance of this variant is uncertain.

Eurofins Ntd Llc (ga)
Classification: Benign. Last evaluated: 2015-10-13. Review status: criteria provided, single submitter. Criteria: EGL Classification Definitions 2015. Collection method: clinical testing. Allele origin: germline. Observed: 2 variant alleles, 2 heterozygotes.

Center for Genomics, Ann and Robert H. Lurie Children's Hospital of Chicago
Classification: Uncertain significance for Tobacco addiction, susceptibility to; Autosomal dominant nocturnal frontal lobe epilepsy 1. Review status: criteria provided, single submitter. Criteria: ACMG Guidelines, 2015. Collection method: clinical testing. Allele origin: germline.
Comment: CHRNA4 NM_000744 exon 5 p.Arg487Gln (c.1460G>A): This variant has been reported in the literature in 1 individual with Sporadic Amyotrophic Lateral Sclerosis (SALS) (Sabatelli 2009 PMID:19628475). This variant is present in 0.4% (85/1944) of African alleles in the Genome Aggregation Database. This variant Glutamine (Gln) is present in >5 species including mammals and is not well conserved among evolutionarily distant species; this suggests that this variant may not impact the protein. Additional computational prediction tools do not suggest an impact. In summary, data on this variant is insufficient for disease classification. Therefore, the clinical significance of this variant is uncertain.

Diagnostic Laboratory, Department of Genetics, University Medical Center Groningen
Classification: Likely benign. Review status: no assertion criteria provided. Collection method: clinical testing. Allele origin: germline. Affected: yes. Study: VKGL Data-share Consensus. Not counted in ClinVar's aggregate classification.

Genome Diagnostics Laboratory, University Medical Center Utrecht
Classification: Likely benign. Review status: no assertion criteria provided. Collection method: clinical testing. Allele origin: germline. Affected: yes. Study: VKGL Data-share Consensus. Not counted in ClinVar's aggregate classification.

Psychiatry Genetics Yale University
No classification provided. Review status: no classification provided. Collection method: not provided. Allele origin: somatic. Not counted in ClinVar's aggregate classification.

Literature cited by the submitters: PubMed 19628475 (cited by Ambry Genetics and Eurofins Ntd Llc (ga)); PubMed 21107856 (cited by Ambry Genetics and Eurofins Ntd Llc (ga)); PubMed 22873564 (cited by Ambry Genetics and Eurofins Ntd Llc (ga)); PubMed 24385388 (cited by Ambry Genetics and Eurofins Ntd Llc (ga)).